The following is an entry in ClinVar:

ClinVar aggregate classification (germline): Uncertain significance. Review status: criteria provided, multiple submitters, no conflicts (2 of 4 stars). 2 submissions from 2 submitters: Uncertain significance (2). Last evaluated 2023-08-16.

gnomAD v4.1: 3 of 1,613,986 alleles (0.00019%); highest among the groups gnomAD compares: Non-Finnish European, 0.00025%; no homozygotes.

Submissions (2):

Labcorp Genetics (formerly Invitae), Labcorp
Classification: Uncertain significance. Last evaluated: 2023-08-16. Review status: criteria provided, single submitter. Criteria: Invitae Variant Classification Sherloc (09022015). Collection method: clinical testing. Allele origin: germline.
Comment: This variant is not present in population databases (gnomAD no frequency). This sequence change replaces alanine, which is neutral and non-polar, with threonine, which is neutral and polar, at codon 408 of the SETBP1 protein (p.Ala408Thr). This variant has not been reported in the literature in individuals affected with SETBP1-related conditions. ClinVar contains an entry for this variant (Variation ID: 2169699). Advanced modeling of protein sequence and biophysical properties (such as structural, functional, and spatial information, amino acid conservation, physicochemical variation, residue mobility, and thermodynamic stability) performed at Invitae indicates that this missense variant is not expected to disrupt SETBP1 protein function. In summary, the available evidence is currently insufficient to determine the role of this variant in disease. Therefore, it has been classified as a Variant of Uncertain Significance.

Revvity Omics, Revvity
Classification: Uncertain significance. Last evaluated: 2021-11-15. Review status: criteria provided, single submitter. Criteria: ACMG Guidelines, 2015. Collection method: clinical testing. Allele origin: germline.

NM_015559.3(SETBP1):c.1222G>A (p.Ala408Thr)

Gene: SETBP1 (SET binding protein 1; plus strand). Cytogenetic location: 18q12.3.
Variant type: single nucleotide variant.
Coding change: c.1222G>A on transcript NM_015559.3 (MANE Select); coding-DNA position 1222, G replaced by A.
Protein change: p.Ala408Thr; replaces alanine 408 with threonine.
Molecular consequence: missense variant.
Genome position (GRCh38, 1-based): chr18:44,950,562, G>A. VCF-style: chr18-44950562-G-A. GRCh37 (hg19) VCF-style: chr18-42530527-G-A.
Other names: c.1222G>A, p.Ala408Thr (NM_001379141.1, NM_001379142.1, NM_001410862.1); short protein forms A408T.
Identifiers: ClinVar variation 2169699 (VCV002169699.7), dbSNP rs1468549146, ClinGen allele CA402318061.
Genomic context (GRCh38, chr18:44,950,562, plus strand): 5'-AGTTCTGCCAGTAATCCTGAAAATGACTCAAGTCATGTCCGGATTACTATCCCCATCAAG[G>A]CACCCTCTCTGGATCCAACCAACCATAAGAGGAAAAAAAGACAGTCCATTAAAGCGGTGG-3'
Protein context (NP_056374.2, residues 398-418): SHVRITIPIK[Ala408Thr]PSLDPTNHKR